The following is an entry in ClinVar:

NM_005559.4(LAMA1):c.3256G>A (p.Asp1086Asn)

Gene: LAMA1 (laminin subunit alpha 1; minus strand). Cytogenetic location: 18p11.31.
Variant type: single nucleotide variant.
Coding change: c.3256G>A on transcript NM_005559.4 (MANE Select); coding-DNA position 3256, G replaced by A.
Protein change: p.Asp1086Asn; replaces aspartic acid 1086 with asparagine.
Molecular consequence: missense variant.
Genome position (GRCh38, 1-based): chr18:7,013,922, C>T on the plus strand (G>A on the coding strand, the complement: LAMA1 is on the minus strand). VCF-style: chr18-7013922-C-T. GRCh37 (hg19) VCF-style: chr18-7013921-C-T.
Other names: short protein forms D1086N.
Identifiers: ClinVar variation 498403 (VCV000498403.11), dbSNP rs201831309, ClinGen allele CA8882345.
Genomic context (GRCh38, chr18:7,013,922, plus strand): 5'-GCTCCAGGTTGCAGGCGTCCCCCGACGTCCCCCTCAGGTCACAGTCACAGGGAACACAGT[C>T]GGGAAAGTCTCTGTAACCCAAGGAACACTGATCGCAGGCCCGGCCACCAAATTTTGACTT-3'
Protein context (NP_005550.2, residues 1076-1096): QCSLGYRDFP[Asp1086Asn]CVPCDCDLRG

ClinVar aggregate classification (germline): Conflicting classifications of pathogenicity. Review status: criteria provided, conflicting classifications (1 of 4 stars). 5 submissions from 5 submitters: Uncertain significance (2); Benign (1); Likely benign (1). 1 of the submissions does not count toward it. Last evaluated 2025-03-20.

Conditions:
LAMA1-related disorder. Also called: LAMA1-related disorders; LAMA1-related condition.
Ataxia - intellectual disability - oculomotor apraxia - cerebellar cysts syndrome. Also called: Poretti-Boltshauser syndrome. Identifiers: Orphanet 370022, MedGen C4014821, MONDO:0014419, OMIM 615960.
Retinal dystrophy. Also called: Inherited retinal dystrophy. Identifiers: Orphanet 71862, MedGen C0854723, MeSH D058499, MONDO:0019118, HP:0000556.

Allele frequency attached by ClinVar (database versions not stated): gnomAD 0.00007 and 0.00010; TOPMed 0.00014; 1000 Genomes Project 30x 0.00031; 1000 Genomes Project 0.00040.
gnomAD v4.1: 164 of 1,613,720 alleles (0.01%); highest among the groups gnomAD compares: East Asian, 0.24%; no homozygotes.

Submissions (5):

PreventionGenetics, part of Exact Sciences
Classification: Likely benign for LAMA1-related condition. Last evaluated: 2025-03-20. Review status: criteria provided, single submitter. Criteria: ACMG Guidelines, 2015. Collection method: clinical testing. Allele origin: germline.
Comment: This variant is classified as likely benign based on ACMG/AMP sequence variant interpretation guidelines (Richards et al. 2015 PMID: 25741868, with internal and published modifications).

Labcorp Genetics (formerly Invitae), Labcorp
Classification: Benign. Last evaluated: 2024-05-15. Review status: criteria provided, single submitter. Criteria: Invitae Variant Classification Sherloc (09022015). Collection method: clinical testing. Allele origin: germline.

Baylor Genetics
Classification: Uncertain significance for Ataxia - intellectual disability - oculomotor apraxia - cerebellar cysts syndrome. Last evaluated: 2020-05-21. Review status: criteria provided, single submitter. Criteria: ACMG Guidelines, 2015. Collection method: clinical testing. Allele origin: unknown. Affected: yes.
Comment: This variant was determined to be of uncertain significance according to ACMG Guidelines, 2015 [PMID:25741868].

Eurofins Ntd Llc (ga)
Classification: Uncertain significance. Last evaluated: 2016-11-02. Review status: criteria provided, single submitter. Criteria: EGL Classification Definitions 2015. Collection method: clinical testing. Allele origin: germline. Observed: 1 variant allele, 1 heterozygote.

Institute of Human Genetics, Univ. Regensburg, Univ. Regensburg
Classification: Uncertain significance for Retinal dystrophy. Last evaluated: 2023-01-01. Review status: no assertion criteria provided. Criteria: ACMG Guidelines, 2015. Collection method: clinical testing. Allele origin: germline. Affected: yes. Not counted in ClinVar's aggregate classification.